The following is an entry in ClinVar:

NC_000016.10:g.(?_89268458)_(89317039_?)del

Genes: ANKRD11 (ankyrin repeat domain 11; minus strand), LOC105371414 (uncharacterized LOC105371414; plus strand). Cytogenetic location: 16q24.3.
Variant type: Deletion.
Identifiers: ClinVar variation 583986 (VCV000583986.6).

ClinVar aggregate classification (germline): Pathogenic (1 of 4 stars; one submission).

Conditions:
KBG syndrome (KBGS). Also called: ANKRD11-Related KBG Syndrome. Identifiers: Orphanet 2332, MedGen C0220687, MONDO:0007846, OMIM 148050.

Submission:

Labcorp Genetics (formerly Invitae), Labcorp
Classification: Pathogenic for KBG syndrome. Last evaluated: 2021-08-12. Review status: criteria provided, single submitter. Criteria: Invitae Variant Classification Sherloc (09022015). Collection method: clinical testing. Allele origin: germline.
Comment: A gross deletion of the genomic region encompassing the full coding sequence of the ANKRD11 gene has been identified. Loss-of-function variants in ANKRD11 are known to be pathogenic (PMID: 21782149, 25125236, 25413698, 25652421). The boundaries of this event are unknown as they extend beyond the assayed region for this gene and therefore may encompass additional genes. This variant has not been reported in the literature in individuals affected with ANKRD11-related conditions. For these reasons, this variant has been classified as Pathogenic.

Literature cited by the submitters: PubMed 21782149; PubMed 25125236; PubMed 25413698; PubMed 25652421.